The following is an entry in ClinVar:

ClinVar aggregate classification (germline): Benign. Review status: criteria provided, multiple submitters, no conflicts (2 of 4 stars). 7 submissions from 7 submitters: Benign (7). Last evaluated 2026-02-03.

Conditions:
Inborn genetic diseases. Identifiers: MedGen C0950123, MeSH D030342.
Intellectual developmental disorder, X-linked 1. Also called: Atkin Flaitz Patil Smith syndrome; Intellectual disability, X-linked 1; MENTAL RETARDATION, X-LINKED 18; MENTAL RETARDATION, X-LINKED 78. Identifiers: Orphanet 777, MedGen C2931498, MONDO:0010656, OMIM 309530.

Allele frequency attached by ClinVar (database versions not stated): gnomAD exomes 0.00198 and 0.00459; ExAC 0.00855; gnomAD 0.02090 and 0.02235; 1000 Genomes Project 0.02146; 1000 Genomes Project 30x 0.02248; TOPMed 0.02302.
gnomAD v4.1: 4,501 of 1,162,443 alleles (0.39%); highest among the groups gnomAD compares: African/African-American, 7.3%; 105 homozygotes.

Submissions (7):

Labcorp Genetics (formerly Invitae), Labcorp
Classification: Benign for Intellectual developmental disorder, X-linked 1. Last evaluated: 2026-02-03. Review status: criteria provided, single submitter. Criteria: Invitae Variant Classification Sherloc (09022015). Collection method: clinical testing. Allele origin: germline.

Mayo Clinic Laboratories, Mayo Clinic
Classification: Benign. Last evaluated: 2024-07-13. Review status: criteria provided, single submitter. Criteria: ACMG Guidelines, 2015. Collection method: clinical testing. Allele origin: germline. Observed: 2 variant alleles.

Athena Diagnostics
Classification: Benign. Last evaluated: 2024-06-11. Review status: criteria provided, single submitter. Criteria: Athena Diagnostics Criteria. Collection method: clinical testing. Allele origin: unknown.

Ambry Genetics
Classification: Benign for Inborn genetic diseases. Last evaluated: 2016-03-18. Review status: criteria provided, single submitter. Criteria: Ambry Variant Classification Scheme 2023. Collection method: clinical testing. Allele origin: germline.

GeneDx
Classification: Benign. Last evaluated: 2016-02-01. Review status: criteria provided, single submitter. Criteria: GeneDx Variant Classification (06012015). Collection method: clinical testing. Allele origin: germline. Affected: yes.
Comment: This variant is considered likely benign or benign based on one or more of the following criteria: it is a conservative change, it occurs at a poorly conserved position in the protein, it is predicted to be benign by multiple in silico algorithms, and/or has population frequency not consistent with disease.

Eurofins Ntd Llc (ga)
Classification: Benign. Last evaluated: 2015-02-16. Review status: criteria provided, single submitter. Criteria: EGL Classification Definitions 2015. Collection method: clinical testing. Allele origin: germline. Observed: 3 variant alleles, 1 heterozygote, 2 hemizygotes.

Breakthrough Genomics
Classification: Benign. Review status: criteria provided, single submitter. Criteria: ACMG Guidelines, 2015. Collection method: not provided. Allele origin: germline. Inheritance: X-linked inheritance. Affected: yes.

NM_001111125.3(IQSEC2):c.477G>A (p.Leu159=)

Gene: IQSEC2 (IQ motif and Sec7 domain ArfGEF 2; minus strand). Cytogenetic location: Xp11.22.
Variant type: single nucleotide variant.
Coding change: c.477G>A on transcript NM_001111125.3 (MANE Select); coding-DNA position 477, G replaced by A.
Protein change: p.Leu159=; no amino-acid change (leucine 159 retained).
Molecular consequence: synonymous variant.
Genome position (GRCh38, 1-based): chrX:53,320,647, C>T on the plus strand (G>A on the coding strand, the complement: IQSEC2 is on the minus strand). VCF-style: chrX-53320647-C-T. GRCh37 (hg19) VCF-style: chrX-53349845-C-T.
Other names: p.Leu159=.
Identifiers: ClinVar variation 93558 (VCV000093558.24), dbSNP rs185512321, ClinGen allele CA147056.